The following is an entry in ClinVar:

ClinVar aggregate classification (germline): Uncertain significance (1 of 4 stars; one submission).

gnomAD v4.1: 1 of 1,443,870 alleles (0.000069%); highest among the groups gnomAD compares: Non-Finnish European, 0.000091%; no homozygotes.

Submission:

Labcorp Genetics (formerly Invitae), Labcorp
Classification: Uncertain significance. Last evaluated: 2025-08-22. Review status: criteria provided, single submitter. Criteria: Invitae Variant Classification Sherloc (09022015). Collection method: clinical testing. Allele origin: germline.
Comment: This sequence change replaces tyrosine, which is neutral and polar, with cysteine, which is neutral and slightly polar, at codon 955 of the OTOG protein (p.Tyr955Cys). This variant is not present in population databases (gnomAD no frequency). This variant has not been reported in the literature in individuals affected with OTOG-related conditions. An algorithm developed to predict the effect of missense changes on protein structure and function (PolyPhen-2) suggests that this variant is likely to be disruptive. In summary, the available evidence is currently insufficient to determine the role of this variant in disease. Therefore, it has been classified as a Variant of Uncertain Significance.

NM_001292063.2(OTOG):c.2828A>G (p.Tyr943Cys)

Gene: OTOG (otogelin; plus strand). Cytogenetic location: 11p15.1.
Variant type: single nucleotide variant.
Coding change: c.2828A>G on transcript NM_001292063.2 (MANE Select); coding-DNA position 2828, A replaced by G.
Protein change: p.Tyr943Cys; replaces tyrosine 943 with cysteine.
Molecular consequence: missense variant.
Genome position (GRCh38, 1-based): chr11:17,586,542, A>G. VCF-style: chr11-17586542-A-G. GRCh37 (hg19) VCF-style: chr11-17608089-A-G.
Other names: c.2864A>G, p.Tyr955Cys (NM_001277269.2); short protein forms Y955C, Y943C.
Identifiers: ClinVar variation 4782234 (VCV004782234.1).